The following is an entry in ClinVar:

ClinVar aggregate classification (germline): Uncertain significance (1 of 4 stars; one submission).

gnomAD v4.1: 2 of 1,613,588 alleles (0.00012%); highest among the groups gnomAD compares: African/African-American, 0.0013%; no homozygotes.

Submission:

GeneDx
Classification: Uncertain significance. Last evaluated: 2026-04-02. Review status: criteria provided, single submitter. Criteria: GeneDx Variant Classification Process June 2021. Collection method: clinical testing. Allele origin: germline.
Comment: In silico analysis supports that this missense variant has a deleterious effect on protein structure/function; Has not been previously published as pathogenic or benign to our knowledge

NM_197968.4(ZMYM2):c.812T>C (p.Phe271Ser)

Gene: ZMYM2 (zinc finger MYM-type containing 2; plus strand). Cytogenetic location: 13q12.11.
Variant type: single nucleotide variant.
Coding change: c.812T>C on transcript NM_197968.4 (MANE Select); coding-DNA position 812, T replaced by C.
Protein change: p.Phe271Ser; replaces phenylalanine 271 with serine.
Molecular consequence: missense variant. On other transcripts: non-coding transcript variant (1).
Genome position (GRCh38, 1-based): chr13:19,993,884, T>C. VCF-style: chr13-19993884-T-C. GRCh37 (hg19) VCF-style: chr13-20568024-T-C.
Other names: c.812T>C, p.Phe271Ser (NM_001190964.4, NM_001190965.4, NM_001353157.2 and 5 more transcripts); c.617T>C, p.Phe206Ser (NM_001353161.3); c.551T>C, p.Phe184Ser (NM_001353163.2); short protein forms F184S, F206S, F271S.
Identifiers: ClinVar variation 5018147 (VCV005018147.1).